The following is an entry in ClinVar:

NM_003070.5(SMARCA2):c.2564G>A (p.Arg855Gln)

Gene: SMARCA2 (SWI/SNF related BAF chromatin remodeling complex subunit ATPase 2; plus strand). Cytogenetic location: 9p24.3.
Variant type: single nucleotide variant.
Coding change: c.2564G>A on transcript NM_003070.5 (MANE Select); coding-DNA position 2564, G replaced by A.
Protein change: p.Arg855Gln; replaces arginine 855 with glutamine.
Molecular consequence: missense variant.
Genome position (GRCh38, 1-based): chr9:2,086,866, G>A. VCF-style: chr9-2086866-G-A. GRCh37 (hg19) VCF-style: chr9-2086866-G-A.
Other names: c.2564G>A (NM_003070.3); c.2564G>A, p.Arg855Gln (NM_001289396.2, NM_001289397.2, NM_139045.4); short protein forms R855Q.
Identifiers: ClinVar variation 1177355 (VCV001177355.5), dbSNP rs1471482709, ClinGen allele CA372784870.

ClinVar aggregate classification (germline): Pathogenic. Review status: criteria provided, multiple submitters, no conflicts (2 of 4 stars). 3 submissions from 3 submitters: Pathogenic (3). Last evaluated 2026-02-06.

Conditions:
SMARCA2-related BAFopathy.

Allele frequency attached by ClinVar (database versions not stated): TOPMed below 0.00001; gnomAD 0.00001.
gnomAD v4.1: 1 of 1,613,974 alleles (0.000062%); highest among the groups gnomAD compares: Non-Finnish European, 0.000085%; no homozygotes.

Submissions (3):

GeneDx
Classification: Pathogenic. Last evaluated: 2026-02-06. Review status: criteria provided, single submitter. Criteria: GeneDx Variant Classification Process June 2021. Collection method: clinical testing. Allele origin: germline. Affected: yes.
Comment: Not observed at significant frequency in large population cohorts (gnomAD); In silico analysis supports that this missense variant has a deleterious effect on protein structure/function; This variant is associated with the following publications: (PMID: 28948053, 23906836, 34906496, Liu[article]2023, 31031587, 35811451, 34800434)

Labcorp Genetics (formerly Invitae), Labcorp
Classification: Pathogenic. Last evaluated: 2025-01-01. Review status: criteria provided, single submitter. Criteria: Invitae Variant Classification Sherloc (09022015). Collection method: clinical testing. Allele origin: germline.
Comment: This sequence change replaces arginine, which is basic and polar, with glutamine, which is neutral and polar, at codon 855 of the SMARCA2 protein (p.Arg855Gln). This variant is not present in population databases (gnomAD no frequency). This missense change has been observed in individual(s) with Nicolaides-Baraitser syndrome (PMID: 23906836). In at least one individual the variant was observed to be de novo. ClinVar contains an entry for this variant (Variation ID: 1177355). Invitae Evidence Modeling of protein sequence and biophysical properties (such as structural, functional, and spatial information, amino acid conservation, physicochemical variation, residue mobility, and thermodynamic stability) indicates that this missense variant is expected to disrupt SMARCA2 protein function with a positive predictive value of 80%. This variant disrupts the p.Arg855 amino acid residue in SMARCA2. Other variant(s) that disrupt this residue have been observed in individuals with SMARCA2-related conditions (PMID: 22366787, 28948053, 31288860), which suggests that this may be a clinically significant amino acid residue. For these reasons, this variant has been classified as Pathogenic.

Baylor Genetics
Classification: Pathogenic for SMARCA2-related BAFopathy. Last evaluated: 2021-06-10. Review status: criteria provided, single submitter. Criteria: ACMG Guidelines, 2015. Collection method: clinical testing. Allele origin: unknown. Affected: yes.

Literature cited by the submitters: PubMed 23906836 (cited by Labcorp Genetics (formerly Invitae), Labcorp); PubMed 22366787 (cited by Labcorp Genetics (formerly Invitae), Labcorp); PubMed 28948053 (cited by Labcorp Genetics (formerly Invitae), Labcorp); PubMed 31288860 (cited by Labcorp Genetics (formerly Invitae), Labcorp).